The following is an entry in ClinVar:

NM_001080517.3(SETD5):c.3127T>G (p.Ser1043Ala)

Gene: SETD5 (SET domain containing 5; plus strand). Cytogenetic location: 3p25.3.
Variant type: single nucleotide variant.
Coding change: c.3127T>G on transcript NM_001080517.3 (MANE Select); coding-DNA position 3127, T replaced by G.
Protein change: p.Ser1043Ala; replaces serine 1043 with alanine.
Molecular consequence: missense variant.
Genome position (GRCh38, 1-based): chr3:9,470,861, T>G. VCF-style: chr3-9470861-T-G. GRCh37 (hg19) VCF-style: chr3-9512545-T-G.
Other names: c.2833T>G, p.Ser945Ala (NM_001292043.2, NM_001349451.2); c.3223T>G, p.Ser1075Ala (NM_001437633.1); c.3241T>G, p.Ser1081Ala (NM_001437635.1); c.3184T>G, p.Ser1062Ala (NM_001437643.1); c.3166T>G, p.Ser1056Ala (NM_001437701.1); short protein forms S1043A, S1056A, S1062A, S1075A, S1081A, S945A.
Identifiers: ClinVar variation 5018214 (VCV005018214.1).

ClinVar aggregate classification (germline): Uncertain significance (1 of 4 stars; one submission).

Submission:

GeneDx
Classification: Uncertain significance. Last evaluated: 2026-04-03. Review status: criteria provided, single submitter. Criteria: GeneDx Variant Classification Process June 2021. Collection method: clinical testing. Allele origin: germline.
Comment: Not observed at significant frequency in large population cohorts (gnomAD); In silico analysis suggests that this missense variant does not alter protein structure/function; Has not been previously published as pathogenic or benign to our knowledge